The following is an entry in ClinVar:

NM_014363.6(SACS):c.1968_1969del (p.Asp657fs)

Gene: SACS (sacsin molecular chaperone; minus strand). Cytogenetic location: 13q12.12.
Variant type: Deletion.
Coding change: c.1968_1969del on transcript NM_014363.6 (MANE Select); coding-DNA positions 1968 to 1969, 2 bases deleted (TG; older notation c.1968_1969delTG).
Protein change: p.Asp657fs; shifts the reading frame from aspartic acid 657.
Molecular consequence: frameshift variant.
Genome position (GRCh38, 1-based): chr13:23,354,643-23,354,644, CA deleted on the plus strand (TG on the coding strand, the reverse complement: SACS is on the minus strand). VCF-style (leftmost placement, unchanged base first): chr13-23354642-TCA-T. GRCh37 (hg19) VCF-style: chr13-23928781-TCA-T.
Other names: c.1527_1528del, p.Asp510fs (NM_001278055.2); short protein forms D510fs, D657fs.
Identifiers: ClinVar variation 1726806 (VCV001726806.2), dbSNP rs2542391320, ClinGen allele CA2580086851.

ClinVar aggregate classification (germline): Likely pathogenic (1 of 4 stars; one submission).

Conditions:
Charlevoix-Saguenay spastic ataxia (SACS). Also called: Spastic ataxia of Charlevoix-Saguenay; SPASTIC ATAXIA 6, AUTOSOMAL RECESSIVE; AUTOSOMAL RECESSIVE SPASTIC ATAXIA OF CHARLEVOIX-SAGUENAY. Identifiers: Orphanet 98, MedGen C1849140, MONDO:0010041, OMIM 270550.

Submission:

Myriad Genetics, Inc.
Classification: Likely pathogenic for Charlevoix-Saguenay spastic ataxia. Last evaluated: 2022-01-02. Review status: criteria provided, single submitter. Criteria: Myriad Women's Health Autosomal Recessive and X-Linked Classification Criteria (2021). Collection method: clinical testing. Allele origin: unknown.
Comment: NM_014363.4(SACS):c.1968_1969delTG(D657Pfs*5) is expected to be pathogenic in the context of autosomal recessive spastic ataxia of Charlevoix-Saguenay. This variant is predicted to lead to an abnormal or absent protein product due to the creation of a premature termination codon in SACS, a gene where loss-of-function variants are known to be pathogenic. Please note: this variant was assessed in the context of healthy population screening.